The following is an entry in ClinVar:

ClinVar aggregate classification (germline): Uncertain significance. Review status: criteria provided, multiple submitters, no conflicts (2 of 4 stars). 2 submissions from 2 submitters: Uncertain significance (2). Last evaluated 2025-08-27.

Conditions:
Dilated cardiomyopathy 1HH (CMD1HH). Identifiers: Orphanet 154, MedGen C3151293, MONDO:0013479, OMIM 613881.
Myofibrillar myopathy 6. Identifiers: Orphanet 199340, MedGen C2751831, MONDO:0013061, OMIM 612954.
Cardiovascular phenotype. Identifiers: MedGen CN230736.

Allele frequency attached by ClinVar (database versions not stated): gnomAD 0.00001; gnomAD exomes 0.00001 and 0.00004; TOPMed 0.00001; ExAC 0.00003; 1000 Genomes Project 30x 0.00016; 1000 Genomes Project 0.00020.
gnomAD v4.1: 9 of 1,614,040 alleles (0.00056%); highest among the groups gnomAD compares: East Asian, 0.02%; no homozygotes.

Submissions (2):

Ambry Genetics
Classification: Uncertain significance for Cardiovascular phenotype. Last evaluated: 2025-08-27. Review status: criteria provided, single submitter. Criteria: Ambry Variant Classification Scheme 2023. Collection method: clinical testing. Allele origin: germline.
Comment: The p.E61K variant (also known as c.181G>A) is located in coding exon 2 of the BAG3 gene. The glutamic acid at codon 61 is replaced by lysine, an amino acid with similar properties. This change occurs in the first base pair of coding exon 2. This amino acid position is well conserved in available vertebrate species. In addition, this alteration is predicted to be tolerated by in silico analysis. Based on the available evidence, the clinical significance of this variant remains unclear.

Labcorp Genetics (formerly Invitae), Labcorp
Classification: Uncertain significance for Dilated cardiomyopathy 1HH; Myofibrillar myopathy 6. Last evaluated: 2025-01-27. Review status: criteria provided, single submitter. Criteria: Invitae Variant Classification Sherloc (09022015). Collection method: clinical testing. Allele origin: germline.
Comment: This sequence change replaces glutamic acid, which is acidic and polar, with lysine, which is basic and polar, at codon 61 of the BAG3 protein (p.Glu61Lys). This variant is present in population databases (rs187116556, gnomAD 0.04%). This variant has not been reported in the literature in individuals affected with BAG3-related conditions. ClinVar contains an entry for this variant (Variation ID: 850317). An algorithm developed to predict the effect of missense changes on protein structure and function (PolyPhen-2) suggests that this variant is likely to be disruptive. Algorithms developed to predict the effect of sequence changes on RNA splicing suggest that this variant may create or strengthen a splice site. In summary, the available evidence is currently insufficient to determine the role of this variant in disease. Therefore, it has been classified as a Variant of Uncertain Significance.

NM_004281.4(BAG3):c.181G>A (p.Glu61Lys)

Gene: BAG3 (BAG cochaperone 3; plus strand). Cytogenetic location: 10q26.11.
Variant type: single nucleotide variant.
Coding change: c.181G>A on transcript NM_004281.4 (MANE Select); coding-DNA position 181, G replaced by A.
Protein change: p.Glu61Lys; replaces glutamic acid 61 with lysine.
Molecular consequence: missense variant.
Genome position (GRCh38, 1-based): chr10:119,669,851, G>A. VCF-style: chr10-119669851-G-A. GRCh37 (hg19) VCF-style: chr10-121429363-G-A.
Other names: short protein forms E61K.
Identifiers: ClinVar variation 850317 (VCV000850317.9), dbSNP rs187116556, ClinGen allele CA5716259.